The following continues an entry in ClinVar:

NM_005633.4(SOS1):c.1654A>G (p.Arg552Gly)

Gene: SOS1. ClinVar aggregate classification (germline): Pathogenic. Pathogenic (1).

Submissions 8 to 23 of 34:

3billion
Classification: Pathogenic for Noonan syndrome 4. Last evaluated: 2025-06-21. Review status: criteria provided, single submitter. Criteria: ACMG Guidelines, 2015. Collection method: clinical testing. Allele origin: germline. Affected: yes. Not counted in ClinVar's aggregate classification.
Comment: The variant is observed at an extremely low frequency in the gnomAD v4.1.0 dataset (total allele frequency: <0.001%). Predicted Consequence/Location: The variant is located in a mutational hot spot and/or well-established functional domain in which established pathogenic variants have been reported (PMID: 29493581). Missense variant. Missense changes are a common disease-causing mechanism. Functional studies provide strong evidence of the variant having a damaging effect on the gene or gene product (PMID: 17143282). In silico tool predictions suggest damaging effect of the variant on gene or gene product [REVEL: 0.92 (>=0.6, sensitivity 0.68 and specificity 0.92); 3Cnet: 0.98 (> 0.75, sensitivity 0.96 and precision 0.92)]. The same nucleotide change resulting in the same amino acid change has been previously reported as pathogenic/likely pathogenic with strong evidence (ClinVar ID: VCV000012871 /PMID: 17143282 /3billion dataset). The variant has been previously reported as de novo in at least two similarly affected unrelated individuals (PMID: 17143282). Different missense changes at the same codon (p.Arg552Lys, p.Arg552Met, p.Arg552Ser, p.Arg552Thr, p.Arg552Trp) have been reported as pathogenic/likely pathogenic with strong evidence (ClinVar ID: VCV000012872, VCV000040681, VCV000040682, VCV000040683, VCV000040684, VCV000372656 /PMID: 17143282, 17586837, 19352411, 21387466, 22465605 /3billion dataset). Therefore, this variant is classified as Pathogenic according to the recommendation of ACMG/AMP guideline.

Blueprint Genetics
Classification: Pathogenic for SOS1-related disorders. Last evaluated: 2024-10-28. Review status: criteria provided, single submitter. Criteria: ACMG Guidelines, 2015. Collection method: clinical testing. Allele origin: germline. Affected: yes. Observed: 5 variant alleles. Not counted in ClinVar's aggregate classification.

Division of Genetic & Genomic Pathology, Hong Kong Children's Hospital
Classification: Pathogenic for Noonan syndrome 4. Last evaluated: 2024-05-22. Review status: criteria provided, single submitter. Criteria: ACMG Guidelines, 2015. Collection method: clinical testing. Allele origin: de novo. Affected: yes. Not counted in ClinVar's aggregate classification.
Comment: The SOS1 c.1654A>G p.(Arg552Gly) variant is classified as pathogenic by the ClinGen RASopathy Variant Curation Expert Panel (ClinVar accession: VCV000012871.62, PMID: 29493581).

Ambry Genetics
Classification: Pathogenic for Cardiovascular phenotype. Last evaluated: 2024-03-22. Review status: criteria provided, single submitter. Criteria: Ambry Variant Classification Scheme 2023. Collection method: clinical testing. Allele origin: germline. Not counted in ClinVar's aggregate classification.
Comment: The c.1654A>G (p.R552G) alteration is located in exon 10 (coding exon 10) of the SOS1 gene. This alteration results from an A to G substitution at nucleotide position 1654, causing the arginine (R) at amino acid position 552 to be replaced by a glycine (G). Based on data from gnomAD, the G allele has an overall frequency of <0.001% (1/250922) total alleles studied. The highest observed frequency was 0.001% (1/113282) of European (non-Finnish) alleles. This variant has been identified in multiple individuals with Noonan syndrome, including sporadic, familial, and one de novo occurrence (Tartaglia, 2007; Roberts, 2007; Zenker, 2007; Neumann, 2009; Denayer, 2010). Other variants affecting this codon (including p.R552T and p.R552S) have also been reported in association with Noonan syndrome (Beneteau, 2009; Zenker, 2007; Tartaglia, 2007). This amino acid position is highly conserved in available vertebrate species. Functional studies demonstrated an increased basal level of active Ras and prolonged Ras activation after epithelial growth factor stimulation (Tartaglia, 2007). This alteration is predicted to be deleterious by in silico analysis. Based on the available evidence, this alteration is classified as pathogenic.

Institute of Human Genetics, Heidelberg University
Classification: Pathogenic for Fibromatosis, gingival, 1; Noonan syndrome 4. Last evaluated: 2024-02-02. Review status: criteria provided, single submitter. Criteria: ACMG Guidelines, 2015. Collection method: clinical testing. Allele origin: germline. Affected: yes. Not counted in ClinVar's aggregate classification.

Baylor Genetics
Classification: Pathogenic for Noonan syndrome 4. Last evaluated: 2023-03-29. Review status: criteria provided, single submitter. Criteria: ACMG Guidelines, 2015. Collection method: clinical testing. Allele origin: unknown. Not counted in ClinVar's aggregate classification.

Clinical Genetics Laboratory, Skane University Hospital Lund
Classification: Pathogenic. Last evaluated: 2022-05-27. Review status: criteria provided, single submitter. Criteria: ACMG Guidelines, 2015. Collection method: clinical testing. Allele origin: germline. Affected: yes. Not counted in ClinVar's aggregate classification.

Fulgent Genetics
Classification: Pathogenic for Fibromatosis, gingival, 1; Noonan syndrome 4. Last evaluated: 2022-04-21. Review status: criteria provided, single submitter. Criteria: ACMG Guidelines, 2015. Collection method: clinical testing. Allele origin: unknown. Not counted in ClinVar's aggregate classification.

Dasa
Classification: Pathogenic for Noonan syndrome 4. Last evaluated: 2022-03-05. Review status: criteria provided, single submitter. Criteria: ACMG Guidelines, 2015. Collection method: clinical testing. Allele origin: germline. Affected: yes. Observed: 1 variant allele. Not counted in ClinVar's aggregate classification.
Comment: Well-established in vitro or in vivo functional studies supportive of a damaging effect on the gene or gene product (PMID: 17143282; 17143285; 20493809) - PS3_moderate.The c.1654A>G;p.(Arg552Gly) missense variant has been observed in affected individual(s) and ClinVar contains an entry for this variant (ClinVar ID: 12871; PMID: 21340158; PMID:PMID: 17143282; PMID: 28957739; PMID: 21387466; PMID: 29402968; PMID: 24522193; PMID: 23487764; PMID: 22465605; PMID: 17586837; PMID: 18854871; PMID: 19953625) - PS4. This variant is not present in population databases (rs137852814- gnomAD; ABraOM no frequency) - PM2. Pathogenic missense variant in this residue have been reported (ClinVar ID:372656) - PM5. Missense variant in SOS1 that has a low rate of benign missense variation and in which missense variants are a common mechanism of disease - PP2. Multiple lines of computational evidence support a deleterious effect on the gene or gene product - PP3. In summary, the currently available evidence indicates that the variant is pathogenic.

Medical Genetics Center, Maternal and Child Health Hospital of Hubei Province
Classification: Pathogenic for Noonan syndrome 4. Last evaluated: 2021-12-22. Review status: criteria provided, single submitter. Criteria: ACMG Guidelines, 2015. Collection method: clinical testing. Allele origin: de novo. Affected: yes. Not counted in ClinVar's aggregate classification.

GeneDx
Classification: Pathogenic. Last evaluated: 2021-11-12. Review status: criteria provided, single submitter. Criteria: GeneDx Variant Classification Process June 2021. Collection method: clinical testing. Allele origin: germline. Affected: yes. Not counted in ClinVar's aggregate classification.
Comment: Published functional studies demonstrate a damaging effect; variant results in both prolonged RAS activation and increased basal levels of active RAS (Smith et al., 2013; Tartaglia et al., 2007); The majority of missense variants in this gene are considered pathogenic (Stenson et al., 2014); In silico analysis supports that this missense variant has a deleterious effect on protein structure/function; This variant is associated with the following publications: (PMID: 17586837, 21387466, 24803665, 26607044, 22465605, 17143285, 18854871, 21340158, 25073238, 23487764, 17143282, 19953625, 28957739, 20683980, 19352411, 20493809, 24522193, 28851938, 28991257, 30417923, 31219622, 31560489, 20648242, 12628188, 33300679, 32368696, 33683002)

Laboratory of Medical Genetics, National & Kapodistrian University of Athens
Classification: Pathogenic for Noonan syndrome 4. Last evaluated: 2021-08-10. Review status: criteria provided, single submitter. Criteria: ACMG Guidelines, 2015. Collection method: clinical testing. Allele origin: unknown. Affected: yes. Not counted in ClinVar's aggregate classification.
Comment: PM1, PM2, PM5, PP2, PP3, PP5

Institute of Medical Genetics and Applied Genomics, University Hospital Tübingen
Classification: Pathogenic. Last evaluated: 2020-10-23. Review status: criteria provided, single submitter. Criteria: ACMG Guidelines, 2015. Collection method: clinical testing. Allele origin: germline. Inheritance: Autosomal dominant inheritance. Affected: yes. Not counted in ClinVar's aggregate classification.

Revvity Omics, Revvity
Classification: Pathogenic. Last evaluated: 2020-04-03. Review status: criteria provided, single submitter. Criteria: ACMG Guidelines, 2015. Collection method: clinical testing. Allele origin: germline. Not counted in ClinVar's aggregate classification.

Mayo Clinic Laboratories, Mayo Clinic
Classification: Pathogenic. Last evaluated: 2019-05-05. Review status: criteria provided, single submitter. Criteria: ClinGen RASopathy ACMG Specifications v1. Collection method: clinical testing. Allele origin: germline. Observed: 1 variant allele. Not counted in ClinVar's aggregate classification.
Comment: PS2, PS3, PS4, PM5_strong, PM1, PM2, PP1, PP2, PP3

ARUP Laboratories, Molecular Genetics and Genomics, ARUP Laboratories
Classification: Pathogenic for Noonan syndrome. Last evaluated: 2018-04-16. Review status: criteria provided, single submitter. Criteria: ARUP Molecular Germline Variant Investigation Process. Collection method: clinical testing. Allele origin: germline. Not counted in ClinVar's aggregate classification.
Comment: The SOS1 c.1654A>G; p.Arg552Gly variant (rs137852814, ClinVar variant ID 12871) is a well-established pathogenic variant, having been identified in at least 17 individuals diagnosed with Noonan syndrome without being reported in any unaffected relatives (Brasil 2010, Lepri 2011, Roberts 2007, Tafazoli 2018, Tartaglia 2007). This variant is thought to disrupt regulation of the protein, functional studies have repeatedly demonstrated that its expression causes increased RAS pathway signaling (Roberts 2007, Smith 2013, Tartaglia 2007), and several other variants affecting this amino acid have also been identified as pathogenic for Noonan syndrome (Lepri 2011). This variant is listed in the genome Aggregation Database (gnomAD) with an overall population frequency of 0.0004% (identified on 1 out of 245658 chromosomes), and the arginine at position 552 is highly conserved, considering 13 species. Based on the available evidence, the p.Arg552Gly variant is classified as pathogenic.